The following is an entry in ClinVar:

NM_005235.3(ERBB4):c.1715C>T (p.Pro572Leu)

Gene: ERBB4 (erb-b2 receptor tyrosine kinase 4; minus strand). Cytogenetic location: 2q34.
Variant type: single nucleotide variant.
Coding change: c.1715C>T on transcript NM_005235.3 (MANE Select); coding-DNA position 1715, C replaced by T.
Protein change: p.Pro572Leu; replaces proline 572 with leucine.
Molecular consequence: missense variant.
Genome position (GRCh38, 1-based): chr2:211,673,165, G>A on the plus strand (C>T on the coding strand, the complement: ERBB4 is on the minus strand). VCF-style: chr2-211673165-G-A. GRCh37 (hg19) VCF-style: chr2-212537890-G-A.
Other names: c.1715C>T, p.Pro572Leu (NM_001042599.2, NM_001439005.1, NM_001439006.1); short protein forms P572L.
Identifiers: ClinVar variation 4747971 (VCV004747971.1).

ClinVar aggregate classification (germline): Uncertain significance (1 of 4 stars; one submission).

gnomAD v4.1: 22 of 1,606,600 alleles (0.0014%); highest among the groups gnomAD compares: African/African-American, 0.012%; no homozygotes.

Submission:

Labcorp Genetics (formerly Invitae), Labcorp
Classification: Uncertain significance. Last evaluated: 2025-02-04. Review status: criteria provided, single submitter. Criteria: Invitae Variant Classification Sherloc (09022015). Collection method: clinical testing. Allele origin: germline.
Comment: This sequence change replaces proline, which is neutral and non-polar, with leucine, which is neutral and non-polar, at codon 572 of the ERBB4 protein (p.Pro572Leu). This variant is present in population databases (rs759551723, gnomAD 0.008%). This variant has not been reported in the literature in individuals affected with ERBB4-related conditions. An algorithm developed to predict the effect of missense changes on protein structure and function (PolyPhen-2) suggests that this variant is likely to be disruptive. In summary, the available evidence is currently insufficient to determine the role of this variant in disease. Therefore, it has been classified as a Variant of Uncertain Significance.